The following is an entry in ClinVar:

ClinVar aggregate classification (germline): Uncertain significance (1 of 4 stars; one submission).

Conditions:
Cardiovascular phenotype. Identifiers: MedGen CN230736.

Allele frequency attached by ClinVar (database versions not stated): gnomAD exomes below 0.00001; gnomAD 0.00001; TOPMed 0.00001.
gnomAD v4.1: 2 of 1,550,256 alleles (0.00013%); highest among the groups gnomAD compares: African/African-American, 0.0027%; no homozygotes.

Submission:

Ambry Genetics
Classification: Uncertain significance for Cardiovascular phenotype. Last evaluated: 2021-03-25. Review status: criteria provided, single submitter. Criteria: Ambry Variant Classification Scheme 2023. Collection method: clinical testing. Allele origin: germline.
Comment: The p.V2006I variant (also known as c.6016G>A), located in coding exon 2 of the ZNF469 gene, results from a G to A substitution at nucleotide position 6016. The valine at codon 2006 is replaced by isoleucine, an amino acid with highly similar properties. This amino acid position is poorly conserved in available vertebrate species. In addition, this alteration is predicted to be tolerated by in silico analysis. Since supporting evidence is limited at this time, the clinical significance of this alteration remains unclear.

NM_001367624.2(ZNF469):c.6100G>A (p.Val2034Ile)

Gene: ZNF469 (zinc finger protein 469; plus strand). Cytogenetic location: 16q24.2.
Variant type: single nucleotide variant.
Coding change: c.6100G>A on transcript NM_001367624.2 (MANE Select); coding-DNA position 6100, G replaced by A.
Protein change: p.Val2034Ile; replaces valine 2034 with isoleucine.
Molecular consequence: missense variant.
Genome position (GRCh38, 1-based): chr16:88,433,570, G>A. VCF-style: chr16-88433570-G-A. GRCh37 (hg19) VCF-style: chr16-88499978-G-A.
Other names: NM_001127464.1:c.6016G>A; short protein forms V2034I.
Identifiers: ClinVar variation 1751094 (VCV001751094.2), dbSNP rs1175600078, ClinGen allele CA397103916.